The following is an entry in ClinVar:

NM_001005373.4(LRSAM1):c.1089-187G>A

Gene: LRSAM1 (leucine rich repeat and sterile alpha motif containing 1; plus strand). Cytogenetic location: 9q33.3.
Variant type: single nucleotide variant.
Coding change: c.1089-187G>A on transcript NM_001005373.4 (MANE Select); 187 bases into the intron before coding-DNA position 1089, G replaced by A.
Molecular consequence: intron variant.
Genome position (GRCh38, 1-based): chr9:127,482,763, G>A. VCF-style: chr9-127482763-G-A. GRCh37 (hg19) VCF-style: chr9-130245042-G-A.
Other names: c.1089-187G>A (NM_138361.5, NM_001384142.1, NM_001384143.1 and 2 more transcripts); c.300-187G>A (NM_001384144.1).
Identifiers: ClinVar variation 4822322 (VCV004822322.4).
Genomic context (GRCh38, chr9:127,482,763, plus strand): 5'-GCTATTTGCTTCTTTTGCCCATTTTCTAAGGGAGCGTCCATCTTTTTACACAAGATACTC[G>A]AACTACAGGCTGAAGGCGAACAGAGGGCCCCAAGGGTTGCTTGTGATGCGGTAGGCATCC-3'

ClinVar aggregate classification (germline): Likely benign (1 of 4 stars; one submission).

gnomAD v4.1: 12 of 152,144 alleles (0.0079%); highest among the groups gnomAD compares: South Asian, 0.021%; no homozygotes.

Submission:

CeGaT Center for Human Genetics Tuebingen
Classification: Likely benign. Last evaluated: 2026-01-01. Review status: criteria provided, single submitter. Criteria: CeGaT Center For Human Genetics Tuebingen Variant Classification Criteria Version 2. Collection method: clinical testing. Allele origin: germline. Affected: yes. Observed: 1 variant allele.
Comment: LRSAM1: BP4, BP7